The following is an entry in ClinVar:

ClinVar aggregate classification (germline): Uncertain significance (1 of 4 stars; one submission).

Conditions:
Cardiovascular phenotype. Identifiers: MedGen CN230736.

Submission:

Ambry Genetics
Classification: Uncertain significance for Cardiovascular phenotype. Last evaluated: 2025-04-12. Review status: criteria provided, single submitter. Criteria: Ambry Variant Classification Scheme 2023. Collection method: clinical testing. Allele origin: germline.
Comment: The p.C238R variant (also known as c.712T>C), located in coding exon 5 of the LAMA4 gene, results from a T to C substitution at nucleotide position 712. The cysteine at codon 238 is replaced by arginine, an amino acid with highly dissimilar properties. This amino acid position is conserved. In addition, this alteration is predicted to be deleterious by in silico analysis. Based on the available evidence, the clinical significance of this variant remains unclear.

NM_001105206.3(LAMA4):c.712T>C (p.Cys238Arg)

Gene: LAMA4 (laminin subunit alpha 4; minus strand). Cytogenetic location: 6q21.
Variant type: single nucleotide variant.
Coding change: c.712T>C on transcript NM_001105206.3 (MANE Select); coding-DNA position 712, T replaced by C.
Protein change: p.Cys238Arg; replaces cysteine 238 with arginine.
Molecular consequence: missense variant.
Genome position (GRCh38, 1-based): chr6:112,191,642, A>G on the plus strand (T>C on the coding strand, the complement: LAMA4 is on the minus strand). VCF-style: chr6-112191642-A-G. GRCh37 (hg19) VCF-style: chr6-112512844-A-G.
Other names: c.712T>C, p.Cys238Arg (NM_001105207.3, NM_002290.5); short protein forms C238R.
Identifiers: ClinVar variation 4045941 (VCV004045941.1).